The following is an entry in ClinVar:

NM_004630.4(SF1):c.1770_1779del (p.Gly591fs)

Gene: SF1 (splicing factor 1; minus strand). Cytogenetic location: 11q13.1.
Variant type: Deletion.
Coding change: c.1770_1779del on transcript NM_004630.4 (MANE Select); coding-DNA positions 1770 to 1779, 10 bases deleted (TGGTTCCGCC; older notation c.1770_1779delTGGTTCCGCC).
Protein change: p.Gly591fs; shifts the reading frame from glycine 591.
Molecular consequence: frameshift variant. On other transcripts: intron variant (8).
Genome position (GRCh38, 1-based): chr11:64,765,959-64,765,968, GGCGGAACCA deleted on the plus strand (TGGTTCCGCC on the coding strand, the reverse complement: SF1 is on the minus strand); deleting any 10 consecutive bases within chr11:64,765,959-64,765,973 gives the same sequence; the c. name uses the placement nearest the transcript's 3' end. VCF-style (leftmost placement, unchanged base first): chr11-64765958-CGGCGGAACCA-C. GRCh37 (hg19) VCF-style: chr11-64533430-CGGCGGAACCA-C.
Other names: c.1692_1701del, p.Gly565fs (NM_001178031.3); c.1765_1774del, p.Trp589fs (NM_001346363.2, NM_001440583.1); c.2145_2154del, p.Gly716fs (NM_001378956.1, NM_001378957.1); c.1774_1783del, p.Trp592fs (NM_001440582.1); c.1696_1705del, p.Trp566fs (NM_001440584.1); c.1687_1696del, p.Trp563fs (NM_001440585.1); c.1770_1779del, p.Gly591fs (NM_201995.3); c.1238-450_1238-441del (NM_001346409.2); and 7 more; short protein forms G565fs, G591fs, W563fs, W566fs, W589fs, W592fs, G716fs.
Identifiers: ClinVar variation 5008565 (VCV005008565.1).

ClinVar aggregate classification (germline): Uncertain significance (1 of 4 stars; one submission).

Submission:

GeneDx
Classification: Uncertain significance. Last evaluated: 2026-03-07. Review status: criteria provided, single submitter. Criteria: GeneDx Variant Classification Process June 2021. Collection method: clinical testing. Allele origin: germline.
Comment: Not observed at significant frequency in large population cohorts (gnomAD); Has not been previously published as pathogenic or benign to our knowledge; Frameshift variant predicted to result in abnormal protein length as the last 49 amino acids are replaced with 1 different amino acid with an unclear effect on protein function